The following is an entry in ClinVar:

ClinVar aggregate classification (germline): Uncertain significance (1 of 4 stars; one submission).

Conditions:
Leber congenital amaurosis 2 (LCA2). Also called: Autosomal Recessive RPE65-Related Retinal Degeneration; AMAUROSIS CONGENITA OF LEBER II. Identifiers: Orphanet 65, MedGen C1859844, MONDO:0008765, OMIM 204100. Disease mechanism: loss of function.
Retinitis pigmentosa 20 (RP20). Identifiers: Orphanet 791, MedGen C3151086, MONDO:0013425, OMIM 613794.

Submission:

Labcorp Genetics (formerly Invitae), Labcorp
Classification: Uncertain significance for Leber congenital amaurosis 2; Retinitis pigmentosa 20. Last evaluated: 2023-03-08. Review status: criteria provided, single submitter. Criteria: Invitae Variant Classification Sherloc (09022015). Collection method: clinical testing. Allele origin: germline.
Comment: In summary, the available evidence is currently insufficient to determine the role of this variant in disease. Therefore, it has been classified as a Variant of Uncertain Significance. Variants that disrupt the consensus splice site are a relatively common cause of aberrant splicing (PMID: 17576681, 9536098). Algorithms developed to predict the effect of sequence changes on RNA splicing suggest that this variant may disrupt the consensus splice site. This sequence change falls in intron 1 of the RPE65 gene. It does not directly change the encoded amino acid sequence of the RPE65 protein. It affects a nucleotide within the consensus splice site. This variant is not present in population databases (gnomAD no frequency). This variant has not been reported in the literature in individuals affected with RPE65-related conditions.

Literature cited by the submitters: PubMed 17576681; PubMed 9536098.

NM_000329.3(RPE65):c.11+4_11+7del

Gene: RPE65 (retinoid isomerohydrolase RPE65; minus strand). Cytogenetic location: 1p31.3.
Variant type: Microsatellite.
Coding change: c.11+4_11+7del on transcript NM_000329.3 (MANE Select); bases 4 to 7 of the intron after coding-DNA position 11, 4 bases deleted (AGTA; older notation c.11+4_11+7delAGTA).
Molecular consequence: splice donor variant.
Genome position (GRCh38, 1-based): chr1:68,449,888-68,449,891, TACT deleted on the plus strand (AGTA on the coding strand, the reverse complement: RPE65 is on the minus strand); deleting any 4 consecutive bases within chr1:68,449,888-68,449,895 gives the same sequence; the c. name uses the placement nearest the transcript's 3' end. VCF-style (leftmost placement, unchanged base first): chr1-68449887-ATACT-A. GRCh37 (hg19) VCF-style: chr1-68915570-ATACT-A.
Other names: c.-183+4_-183+7del (NM_001406857.1); c.-115+4_-115+7del (NM_001406856.1); c.11+4_11+7del (NM_001406853.1, NM_001406859.1, NM_001406860.1).
Identifiers: ClinVar variation 2945136 (VCV002945136.3), dbSNP rs2523462759, ClinGen allele CA2740090781.